The following is an entry in ClinVar:

NM_004655.4(AXIN2):c.1393C>A (p.Arg465Ser)

Gene: AXIN2 (axin 2; minus strand). Cytogenetic location: 17q24.1.
Variant type: single nucleotide variant.
Coding change: c.1393C>A on transcript NM_004655.4 (MANE Select); coding-DNA position 1393, C replaced by A.
Protein change: p.Arg465Ser; replaces arginine 465 with serine.
Molecular consequence: missense variant.
Genome position (GRCh38, 1-based): chr17:65,537,643, G>T on the plus strand (C>A on the coding strand, the complement: AXIN2 is on the minus strand). VCF-style: chr17-65537643-G-T. GRCh37 (hg19) VCF-style: chr17-63533761-G-T.
Other names: c.1393C>A (LRG_296t1); c.1393C>A, p.Arg465Ser (NM_001363813.1); short protein forms R465S.
Identifiers: ClinVar variation 449917 (VCV000449917.15), dbSNP rs886041137, ClinGen allele CA400677595.

ClinVar aggregate classification (germline): Uncertain significance. Review status: criteria provided, multiple submitters, no conflicts (2 of 4 stars). 4 submissions from 4 submitters: Uncertain significance (4). Last evaluated 2025-12-22.

Conditions:
Hereditary cancer-predisposing syndrome. Also called: Neoplastic Syndromes, Hereditary; Hereditary neoplastic syndrome; Hereditary Cancer Syndrome; Tumor predisposition. Identifiers: Orphanet 140162, MedGen C0027672, MeSH D009386, MONDO:0015356.
Oligodontia-cancer predisposition syndrome. Also called: TOOTH AGENESIS-COLORECTAL CANCER SYNDROME. Identifiers: Orphanet 300576, MedGen C1837750, MONDO:0012075, OMIM 608615. Disease mechanism: loss of function.

Allele frequency attached by ClinVar (database versions not stated): TOPMed below 0.00001; gnomAD 0.00001.
gnomAD v4.1: 14 of 1,578,584 alleles (0.00089%); highest among the groups gnomAD compares: Non-Finnish European, 0.0012%; no homozygotes.

Submissions (4):

Labcorp Genetics (formerly Invitae), Labcorp
Classification: Uncertain significance for Oligodontia-cancer predisposition syndrome. Last evaluated: 2025-12-22. Review status: criteria provided, single submitter. Criteria: Invitae Variant Classification Sherloc (09022015). Collection method: clinical testing. Allele origin: germline.
Comment: This sequence change replaces arginine, which is basic and polar, with serine, which is neutral and polar, at codon 465 of the AXIN2 protein (p.Arg465Ser). This variant is present in population databases (no rsID available, gnomAD 0.004%). This variant has not been reported in the literature in individuals affected with AXIN2-related conditions. ClinVar contains an entry for this variant (Variation ID: 449917). Invitae Evidence Modeling of protein sequence and biophysical properties (such as structural, functional, and spatial information, amino acid conservation, physicochemical variation, residue mobility, and thermodynamic stability) indicates that this missense variant is not expected to disrupt AXIN2 protein function with a negative predictive value of 80%. In summary, the available evidence is currently insufficient to determine the role of this variant in disease. Therefore, it has been classified as a Variant of Uncertain Significance.

Ambry Genetics
Classification: Uncertain significance for Hereditary cancer-predisposing syndrome. Last evaluated: 2025-01-17. Review status: criteria provided, single submitter. Criteria: Ambry Variant Classification Scheme 2023. Collection method: clinical testing. Allele origin: germline.
Comment: The p.R465S variant (also known as c.1393C>A), located in coding exon 5 of the AXIN2 gene, results from a C to A substitution at nucleotide position 1393. The arginine at codon 465 is replaced by serine, an amino acid with dissimilar properties. This amino acid position is well conserved in available vertebrate species. In addition, this alteration is predicted to be tolerated by in silico analysis. Since supporting evidence is limited at this time, the clinical significance of this alteration remains unclear.

GeneDx
Classification: Uncertain significance. Last evaluated: 2024-02-09. Review status: criteria provided, single submitter. Criteria: GeneDx Variant Classification Process June 2021. Collection method: clinical testing. Allele origin: germline. Affected: yes.
Comment: Not observed at significant frequency in large population cohorts (gnomAD); In silico analysis supports that this missense variant has a deleterious effect on protein structure/function; Has not been previously published as pathogenic or benign to our knowledge; This variant is associated with the following publications: (PMID: 15735151)

Sema4
Classification: Uncertain significance for Hereditary cancer-predisposing syndrome. Last evaluated: 2021-09-12. Review status: criteria provided, single submitter. Criteria: Sema4 Curation Guidelines. Collection method: curation. Allele origin: germline.
Comment: The AXIN2 c.1393C>A (p.R465S) variant has not been reported in the literature to our knowledge. It was observed in 3/83226 chromosomes of the Non-Finnish European subpopulation in the large and broad cohorts of the Genome Aggregation Database (PMID: 32461654). This variant has been reported in ClinVar (Variation ID 449917). Functional studies have not been performed, and in silico predictions of the variant's effect on protein function are inconclusive. The evidence is insufficient to meet ACMG/AMP criteria for classifying the variant as benign or pathogenic. Thus, the clinical significance of this variant is currently uncertain.